The following is an entry in ClinVar:

NM_000465.4(BARD1):c.1023del (p.Ser342fs)

Gene: BARD1 (BRCA1 associated RING domain 1; minus strand). Cytogenetic location: 2q35.
Variant type: Deletion.
Coding change: c.1023del on transcript NM_000465.4 (MANE Select); coding-DNA position 1023, one base deleted (G; older notation c.1023delG).
Protein change: p.Ser342fs; shifts the reading frame from serine 342.
Molecular consequence: frameshift variant. On other transcripts: non-coding transcript variant (2), intron variant (3).
Genome position (GRCh38, 1-based): chr2:214,780,851, C deleted on the plus strand (G on the coding strand, the reverse complement: BARD1 is on the minus strand). VCF-style (leftmost placement, unchanged base first): chr2-214780850-TC-T. GRCh37 (hg19) VCF-style: chr2-215645574-TC-T.
Other names: c.966del, p.Ser323fs (NM_001282543.2); c.159-28296del (NM_001282548.2); c.215+16210del (NM_001282545.2); c.364+11446del (NM_001282549.2); short protein forms S342fs, S323fs.
Identifiers: ClinVar variation 232902 (VCV000232902.21), dbSNP rs876660061, ClinGen allele CA10577825.

ClinVar aggregate classification (germline): Pathogenic. Review status: criteria provided, multiple submitters, no conflicts (2 of 4 stars). 5 submissions from 5 submitters: Pathogenic (5). Last evaluated 2025-10-15.

Conditions:
Hereditary cancer-predisposing syndrome. Also called: Neoplastic Syndromes, Hereditary; Tumor predisposition; Hereditary Cancer Syndrome; Hereditary neoplastic syndrome. Identifiers: Orphanet 140162, MedGen C0027672, MeSH D009386, MONDO:0015356.
Familial cancer of breast. Also called: BREAST CANCER, FAMILIAL; hereditary breast carcinoma; Hereditary breast cancer. Identifiers: Orphanet 227535, MedGen C0346153, MONDO:0016419, OMIM 114480. Disease mechanism: loss of function.

Submissions (5):

Labcorp Genetics (formerly Invitae), Labcorp
Classification: Pathogenic for Familial cancer of breast. Last evaluated: 2025-10-15. Review status: criteria provided, single submitter. Criteria: Invitae Variant Classification Sherloc (09022015). Collection method: clinical testing. Allele origin: germline.
Comment: This sequence change creates a premature translational stop signal (p.Ser342Alafs*58) in the BARD1 gene. It is expected to result in an absent or disrupted protein product. Loss-of-function variants in BARD1 are known to be pathogenic (PMID: 20077502, 21344236). This variant is not present in population databases (gnomAD no frequency). This premature translational stop signal has been observed in individual(s) with breast cancer (PMID: 32427313). ClinVar contains an entry for this variant (Variation ID: 232902). For these reasons, this variant has been classified as Pathogenic.

Ambry Genetics
Classification: Pathogenic for Hereditary cancer-predisposing syndrome. Last evaluated: 2024-04-10. Review status: criteria provided, single submitter. Criteria: Ambry Variant Classification Scheme 2023. Collection method: clinical testing. Allele origin: germline.
Comment: The c.1023delG pathogenic mutation, located in coding exon 4 of the BARD1 gene, results from a deletion of one nucleotide at nucleotide position 1023, causing a translational frameshift with a predicted alternate stop codon (p.S342Afs*58). This alteration is expected to result in loss of function by premature protein truncation or nonsense-mediated mRNA decay. As such, this alteration is interpreted as a disease-causing mutation.

Myriad Genetics, Inc.
Classification: Pathogenic for Familial cancer of breast. Last evaluated: 2023-05-22. Review status: criteria provided, single submitter. Criteria: Myriad Autosomal Dominant, Autosomal Recessive and X-Linked Classification Criteria (2023). Collection method: clinical testing. Allele origin: unknown.
Comment: This variant is considered pathogenic. This variant creates a frameshift predicted to result in premature protein truncation.

Color Diagnostics, LLC DBA Color Health
Classification: Pathogenic for Hereditary cancer-predisposing syndrome. Last evaluated: 2019-12-09. Review status: criteria provided, single submitter. Criteria: ACMG Guidelines, 2015. Collection method: clinical testing. Allele origin: germline.
Comment: This variant deletes 1 nucleotide in exon 4 of the BARD1 gene, creating a frameshift and premature translation stop signal. This variant is expected to result in an absent or non-functional protein product. Splice site prediction tools suggest that this variant may not impact RNA splicing. To our knowledge, functional studies have not been performed for this variant. This variant has not been reported in individuals affected with hereditary cancer in the literature. This variant has not been identified in the general population by the Genome Aggregation Database (gnomAD). Loss of BARD1 function is a known mechanism of disease. Based on the available evidence, this variant is classified as Pathogenic.

GeneDx
Classification: Pathogenic. Last evaluated: 2015-07-21. Review status: criteria provided, single submitter. Criteria: GeneDx Variant Classification (06012015). Collection method: clinical testing. Allele origin: germline. Affected: yes.
Comment: This deletion of one nucleotide in BARD1 is denoted c.1023delG at the cDNA level and p.Ser342AlafsX58 (S342AfsX58) at the protein level. The normal sequence, with the base that is deleted in braces, is TTCT[G]AGCA. The deletion causes a frameshift, which changes a Serine to an Alanine at codon 342, and creates a premature stop codon at position 58 of the new reading frame. Although this variant has not, to our knowledge, been reported in the literature, it is predicted to cause loss of normal protein function through either protein truncation or nonsense-mediated mRNA decay. we consider this variant to be pathogenic.

Literature cited by the submitters: PubMed 20077502 (cited by Labcorp Genetics (formerly Invitae), Labcorp); PubMed 21344236 (cited by Labcorp Genetics (formerly Invitae), Labcorp); PubMed 32427313 (cited by Labcorp Genetics (formerly Invitae), Labcorp).